The following is an entry in ClinVar:

NM_001395891.1(CLASP1):c.340C>G (p.Leu114Val)

Gene: CLASP1 (cytoplasmic linker associated protein 1; minus strand). Cytogenetic location: 2q14.2.
Variant type: single nucleotide variant.
Coding change: c.340C>G on transcript NM_001395891.1 (MANE Select); coding-DNA position 340, C replaced by G.
Protein change: p.Leu114Val; replaces leucine 114 with valine.
Molecular consequence: missense variant.
Genome position (GRCh38, 1-based): chr2:121,528,715, G>C on the plus strand (C>G on the coding strand, the complement: CLASP1 is on the minus strand). VCF-style: chr2-121528715-G-C. GRCh37 (hg19) VCF-style: chr2-122286291-G-C.
Other names: c.340C>G, p.Leu114Val (NM_001142273.2, NM_001142274.2, NM_001207051.2 and 4 more transcripts); short protein forms L114V.
Identifiers: ClinVar variation 2631594 (VCV002631594.1), dbSNP rs765658534, ClinGen allele CA348197663.

ClinVar aggregate classification (germline): Uncertain significance (1 of 4 stars; one submission).

Conditions:
CLASP1-related disorder. Also called: CLASP1-related condition.

Submission:

PreventionGenetics, part of Exact Sciences
Classification: Uncertain significance for CLASP1-related condition. Last evaluated: 2023-08-17. Review status: criteria provided, single submitter. Criteria: ACMG Guidelines, 2015. Collection method: clinical testing. Allele origin: germline.
Comment: The CLASP1 c.340C>G variant is predicted to result in the amino acid substitution p.Leu114Val. To our knowledge, this variant has not been reported in the literature or in a large population database, indicating this variant is rare. At this time, the clinical significance of this variant is uncertain due to the absence of conclusive functional and genetic evidence.